The following is an entry in ClinVar:

NM_000199.5(SGSH):c.627C>G (p.Asp209Glu)

Gene: SGSH (N-sulfoglucosamine sulfohydrolase; minus strand). Cytogenetic location: 17q25.3.
Variant type: single nucleotide variant.
Coding change: c.627C>G on transcript NM_000199.5 (MANE Select); coding-DNA position 627, C replaced by G.
Protein change: p.Asp209Glu; replaces aspartic acid 209 with glutamic acid.
Molecular consequence: missense variant. On other transcripts: non-coding transcript variant (1).
Genome position (GRCh38, 1-based): chr17:80,214,208, G>C on the plus strand (C>G on the coding strand, the complement: SGSH is on the minus strand). VCF-style: chr17-80214208-G-C. GRCh37 (hg19) VCF-style: chr17-78188007-G-C.
Other names: c.627C>G, p.Asp209Glu (NM_001352921.3, NM_001352922.2); short protein forms D209E.
Identifiers: ClinVar variation 1321020 (VCV001321020.2), dbSNP rs2144742517, ClinGen allele CA401361836.

ClinVar aggregate classification (germline): Likely pathogenic (1 of 4 stars; one submission).

Submission:

GeneDx
Classification: Likely pathogenic. Last evaluated: 2021-05-05. Review status: criteria provided, single submitter. Criteria: GeneDx Variant Classification Process June 2021. Collection method: clinical testing. Allele origin: germline. Affected: yes.
Comment: Not observed in large population cohorts (Lek et al., 2016); In silico analysis supports that this missense variant has a deleterious effect on protein structure/function; Has not been previously published as pathogenic or benign to our knowledge